The following is an entry in ClinVar:

ClinVar aggregate classification (germline): Uncertain significance (1 of 4 stars; one submission).

Conditions:
Heterotopia, periventricular, X-linked dominant (PVNH1). Also called: PERIVENTRICULAR NODULAR HETEROTOPIA 4; HETEROTOPIA, PERIVENTRICULAR, 1; PERIVENTRICULAR NODULAR HETEROTOPIA 1; X-linked periventricular heterotopia. Identifiers: Orphanet 2149, Orphanet 82004, MedGen C1848213, MONDO:0010233, OMIM 300049.
Oto-palato-digital syndrome, type II (OPD2). Also called: Otopalatodigital Syndrome, Type II; FACIOPALATOOSSEOUS SYNDROME; OPD II SYNDROME; Otopalatodigital Syndrome Type 2 (FLNA-OPD2). Identifiers: Orphanet 669, Orphanet 90652, MedGen C1844696, MONDO:0010571, OMIM 304120.
Melnick-Needles syndrome (MNS). Also called: MELNICK-NEEDLES OSTEODYSPLASTY; OSTEODYSPLASTY OF MELNICK AND NEEDLES; Melnick-Needles Syndrome (FLNA-MNS). Identifiers: Orphanet 2484, MedGen C0025237, MONDO:0010650, OMIM 309350.
Frontometaphyseal dysplasia (FMD1). Identifiers: Orphanet 1826, MedGen C0265293, MONDO:0015942.

Submission:

Labcorp Genetics (formerly Invitae), Labcorp
Classification: Uncertain significance for Oto-palato-digital syndrome, type II; Heterotopia, periventricular, X-linked dominant; Frontometaphyseal dysplasia; Melnick-Needles syndrome. Last evaluated: 2025-10-26. Review status: criteria provided, single submitter. Criteria: Invitae Variant Classification Sherloc (09022015). Collection method: clinical testing. Allele origin: germline.
Comment: This sequence change replaces aspartic acid, which is acidic and polar, with glycine, which is neutral and non-polar, at codon 1311 of the FLNA protein (p.Asp1311Gly). This variant is not present in population databases (gnomAD no frequency). This variant has not been reported in the literature in individuals affected with FLNA-related conditions. Invitae Evidence Modeling of protein sequence and biophysical properties (such as structural, functional, and spatial information, amino acid conservation, physicochemical variation, residue mobility, and thermodynamic stability) indicates that this missense variant is not expected to disrupt FLNA protein function with a negative predictive value of 95%. In summary, the available evidence is currently insufficient to determine the role of this variant in disease. Therefore, it has been classified as a Variant of Uncertain Significance.

NM_001110556.2(FLNA):c.3932A>G (p.Asp1311Gly)

Gene: FLNA (filamin A; minus strand). Cytogenetic location: Xq28.
Variant type: single nucleotide variant.
Coding change: c.3932A>G on transcript NM_001110556.2 (MANE Select); coding-DNA position 3932, A replaced by G.
Protein change: p.Asp1311Gly; replaces aspartic acid 1311 with glycine.
Molecular consequence: missense variant.
Genome position (GRCh38, 1-based): chrX:154,359,779, T>C on the plus strand (A>G on the coding strand, the complement: FLNA is on the minus strand). VCF-style: chrX-154359779-T-C. GRCh37 (hg19) VCF-style: chrX-153588147-T-C.
Other names: c.3932A>G, p.Asp1311Gly (NM_001456.4); short protein forms D1311G.
Identifiers: ClinVar variation 4789588 (VCV004789588.1).